The following is an entry in ClinVar:

ClinVar aggregate classification (germline): Uncertain significance (1 of 4 stars; one submission).

Submission:

Labcorp Genetics (formerly Invitae), Labcorp
Classification: Uncertain significance. Last evaluated: 2025-04-20. Review status: criteria provided, single submitter. Criteria: Invitae Variant Classification Sherloc (09022015). Collection method: clinical testing. Allele origin: germline.
Comment: This sequence change replaces aspartic acid, which is acidic and polar, with valine, which is neutral and non-polar, at codon 366 of the FOCAD protein (p.Asp366Val). This variant is not present in population databases (gnomAD no frequency). This variant has not been reported in the literature in individuals affected with FOCAD-related conditions. In summary, the available evidence is currently insufficient to determine the role of this variant in disease. Therefore, it has been classified as a Variant of Uncertain Significance.

NM_001375567.1(FOCAD):c.1097A>T (p.Asp366Val)

Gene: FOCAD (focadhesin; plus strand). Cytogenetic location: 9p21.3.
Variant type: single nucleotide variant.
Coding change: c.1097A>T on transcript NM_001375567.1 (MANE Select); coding-DNA position 1097, A replaced by T.
Protein change: p.Asp366Val; replaces aspartic acid 366 with valine.
Molecular consequence: missense variant.
Genome position (GRCh38, 1-based): chr9:20,781,829, A>T. VCF-style: chr9-20781829-A-T. GRCh37 (hg19) VCF-style: chr9-20781828-A-T.
Other names: c.1097A>T, p.Asp366Val (NM_001375568.1, NM_017794.5); c.992A>T, p.Asp331Val (NM_001375570.1); short protein forms D331V, D366V.
Identifiers: ClinVar variation 4799582 (VCV004799582.1).
Genomic context (GRCh38, chr9:20,781,829, plus strand): 5'-AGTCCTCTCTGCTGCTAGTGATGCCAATTCTGCAGATACTATCTTCTACTGCCTTGGAAG[A>T]CTGTATATCTGTGGATGAAGAAGGTCCCTCTAGGCAGCAGTTGGCTCTAAACCTTTTGGA-3'
Protein context (NP_001362496.1, residues 356-376): LQILSSTALE[Asp366Val]CISVDEEGPS